The following is an entry in ClinVar:

ClinVar aggregate classification (germline): Uncertain significance. Review status: criteria provided, multiple submitters, no conflicts (2 of 4 stars). 2 submissions from 2 submitters: Uncertain significance (2). Last evaluated 2025-09-26.

gnomAD v4.1: 3 of 1,614,214 alleles (0.00019%); highest among the groups gnomAD compares: Non-Finnish European, 0.00025%; no homozygotes.

Submissions (2):

Labcorp Genetics (formerly Invitae), Labcorp
Classification: Uncertain significance. Last evaluated: 2025-09-26. Review status: criteria provided, single submitter. Criteria: Invitae Variant Classification Sherloc (09022015). Collection method: clinical testing. Allele origin: germline.
Comment: This sequence change replaces glutamic acid, which is acidic and polar, with aspartic acid, which is acidic and polar, at codon 551 of the EGF protein (p.Glu551Asp). This variant is present in population databases (rs746313294, gnomAD 0.0009%). This variant has not been reported in the literature in individuals affected with EGF-related conditions. ClinVar contains an entry for this variant (Variation ID: 3507091). An algorithm developed to predict the effect of missense changes on protein structure and function (PolyPhen-2) suggests that this variant is likely to be disruptive. In summary, the available evidence is currently insufficient to determine the role of this variant in disease. Therefore, it has been classified as a Variant of Uncertain Significance.

Ambry Genetics
Classification: Uncertain significance. Last evaluated: 2024-08-04. Review status: criteria provided, single submitter. Criteria: Ambry Variant Classification Scheme 2023. Collection method: clinical testing. Allele origin: germline.

NM_001963.6(EGF):c.1653G>C (p.Glu551Asp)

Gene: EGF (epidermal growth factor; plus strand). Cytogenetic location: 4q25.
Variant type: single nucleotide variant.
Coding change: c.1653G>C on transcript NM_001963.6 (MANE Select); coding-DNA position 1653, G replaced by C.
Protein change: p.Glu551Asp; replaces glutamic acid 551 with aspartic acid.
Molecular consequence: missense variant.
Genome position (GRCh38, 1-based): chr4:109,969,048, G>C. VCF-style: chr4-109969048-G-C. GRCh37 (hg19) VCF-style: chr4-110890204-G-C.
Other names: c.1653G>C, p.Glu551Asp (NM_001178130.3); c.1527G>C, p.Glu509Asp (NM_001178131.3, NM_001357021.2); short protein forms E509D, E551D.
Identifiers: ClinVar variation 3507091 (VCV003507091.2).
Genomic context (GRCh38, chr4:109,969,048, plus strand): 5'-AGCCCTGAAGTGGATAGAGAGAGCTAATATGGATGGTTCCCAGCGAGAAAGGCTTATTGA[G>C]GAAGGAGTAGATGTGCCAGAAGGTCTTGCTGTGGACTGGATTGGCCGTAGATTCTATTGG-3'
Protein context (NP_001954.2, residues 541-561): MDGSQRERLI[Glu551Asp]EGVDVPEGLA